The following is an entry in ClinVar:

NM_002519.3(NPAT):c.3136C>T (p.Pro1046Ser)

Gene: NPAT (nuclear protein, coactivator of histone transcription; minus strand). Cytogenetic location: 11q22.3.
Variant type: single nucleotide variant.
Coding change: c.3136C>T on transcript NM_002519.3 (MANE Select); coding-DNA position 3136, C replaced by T.
Protein change: p.Pro1046Ser; replaces proline 1046 with serine.
Molecular consequence: missense variant.
Genome position (GRCh38, 1-based): chr11:108,161,950, G>A on the plus strand (C>T on the coding strand, the complement: NPAT is on the minus strand). VCF-style: chr11-108161950-G-A. GRCh37 (hg19) VCF-style: chr11-108032677-G-A.
Other names: c.3157C>T, p.Pro1053Ser (NM_001321307.1); short protein forms P1046S, P1053S.
Identifiers: ClinVar variation 1728013 (VCV001728013.2), dbSNP rs2496697268, ClinGen allele CA382511453.

ClinVar aggregate classification (germline): Uncertain significance (1 of 4 stars; one submission).

Submission:

Ambry Genetics
Classification: Uncertain significance. Last evaluated: 2021-06-21. Review status: criteria provided, single submitter. Criteria: Ambry Variant Classification Scheme 2023. Collection method: clinical testing. Allele origin: germline.
Comment: The p.P1046S variant (also known as c.3136C>T), located in coding exon 17 of the NPAT gene, results from a C to T substitution at nucleotide position 3136. The proline at codon 1046 is replaced by serine, an amino acid with similar properties. This amino acid position is conserved. In addition, this alteration is predicted to be tolerated by in silico analysis. Since supporting evidence is limited at this time, the clinical significance of this alteration remains unclear.